The following is an entry in ClinVar:

ClinVar aggregate classification (germline): Uncertain significance. Review status: criteria provided, multiple submitters, no conflicts (2 of 4 stars). 4 submissions from 4 submitters: Uncertain significance (4). Last evaluated 2025-08-07.

Conditions:
GUCY2D-related disorder. Also called: GUCY2D-related condition.
Cone-rod dystrophy 6 (CORD6). Also called: RETINAL CONE DYSTROPHY 2; Cone dystrophy progressive. Identifiers: Orphanet 1872, MedGen C1866293, MONDO:0011143, OMIM 601777.
Leber congenital amaurosis 1 (LCA1). Also called: Congenital absence of the rods and cones; Leber's congenital tapetoretinal degeneration; Leber's congenital tapetoretinal dysplasia; RETINAL BLINDNESS, CONGENITAL; AMAUROSIS CONGENITA OF LEBER I. Identifiers: Orphanet 65, MedGen C2931258, MONDO:0008764, OMIM 204000.
Inborn genetic diseases. Identifiers: MedGen C0950123, MeSH D030342.

Allele frequency attached by ClinVar (database versions not stated): gnomAD 0.00001 and 0.00002; gnomAD exomes 0.00001; TOPMed 0.00001; 1000 Genomes Project 30x 0.00016; 1000 Genomes Project 0.00020.
gnomAD v4.1: 23 of 1,602,692 alleles (0.0014%); highest among the groups gnomAD compares: Admixed American, 0.0033%; no homozygotes.

Submissions (4):

Labcorp Genetics (formerly Invitae), Labcorp
Classification: Uncertain significance for Leber congenital amaurosis 1; Cone-rod dystrophy 6. Last evaluated: 2025-08-07. Review status: criteria provided, single submitter. Criteria: Invitae Variant Classification Sherloc (09022015). Collection method: clinical testing. Allele origin: germline.
Comment: This sequence change replaces glycine, which is neutral and non-polar, with serine, which is neutral and polar, at codon 518 of the GUCY2D protein (p.Gly518Ser). This variant is present in population databases (rs537729498, gnomAD 0.002%). This variant has not been reported in the literature in individuals affected with GUCY2D-related conditions. ClinVar contains an entry for this variant (Variation ID: 1356813). Invitae Evidence Modeling of protein sequence and biophysical properties (such as structural, functional, and spatial information, amino acid conservation, physicochemical variation, residue mobility, and thermodynamic stability) indicates that this missense variant is not expected to disrupt GUCY2D protein function with a negative predictive value of 80%. In summary, the available evidence is currently insufficient to determine the role of this variant in disease. Therefore, it has been classified as a Variant of Uncertain Significance.

PreventionGenetics, part of Exact Sciences
Classification: Uncertain significance for GUCY2D-related condition. Last evaluated: 2025-03-06. Review status: criteria provided, single submitter. Criteria: ACMG Guidelines, 2015. Collection method: clinical testing. Allele origin: germline.
Comment: The GUCY2D c.1552G>A variant is predicted to result in the amino acid substitution p.Gly518Ser. To our knowledge, this variant has not been reported in the literature. This variant is reported in 0.0018% of alleles in individuals of European (Non-Finnish) descent in gnomAD. At this time, the clinical significance of this variant is uncertain due to the absence of conclusive functional and genetic evidence.

Ambry Genetics
Classification: Uncertain significance for Inborn genetic diseases. Last evaluated: 2024-03-25. Review status: criteria provided, single submitter. Criteria: Ambry Variant Classification Scheme 2023. Collection method: clinical testing. Allele origin: germline.

Blueprint Genetics
Classification: Uncertain significance. Last evaluated: 2023-09-21. Review status: criteria provided, single submitter. Criteria: ACMG Guidelines, 2015. Collection method: clinical testing. Allele origin: germline.

NM_000180.4(GUCY2D):c.1552G>A (p.Gly518Ser)

Gene: GUCY2D (guanylate cyclase 2D, retinal; plus strand). Cytogenetic location: 17p13.1.
Variant type: single nucleotide variant.
Coding change: c.1552G>A on transcript NM_000180.4 (MANE Select); coding-DNA position 1552, G replaced by A.
Protein change: p.Gly518Ser; replaces glycine 518 with serine.
Molecular consequence: missense variant.
Genome position (GRCh38, 1-based): chr17:8,007,514, G>A. VCF-style: chr17-8007514-G-A. GRCh37 (hg19) VCF-style: chr17-7910832-G-A.
Other names: c.1552G>A (NM_000180.3); short protein forms G518S.
Identifiers: ClinVar variation 1356813 (VCV001356813.8), dbSNP rs537729498, ClinGen allele CA287525675.